The following is an entry in ClinVar:

ClinVar aggregate classification (germline): Uncertain significance (1 of 4 stars; one submission).

Conditions:
Inborn genetic diseases. Identifiers: MedGen C0950123, MeSH D030342.

Submission:

Ambry Genetics
Classification: Uncertain significance for Inborn genetic diseases. Last evaluated: 2025-09-19. Review status: criteria provided, single submitter. Criteria: Ambry Variant Classification Scheme 2023. Collection method: clinical testing. Allele origin: germline.
Comment: The p.P1962A variant (also known as c.5884C>G), located in coding exon 22 of the FANCM gene, results from a C to G substitution at nucleotide position 5884. The proline at codon 1962 is replaced by alanine, an amino acid with highly similar properties. This amino acid position is conserved. In addition, this alteration is predicted to be tolerated by in silico analysis. Based on the available evidence, the clinical significance of this variant remains unclear.

NM_020937.4(FANCM):c.5884C>G (p.Pro1962Ala)

Gene: FANCM (FA complementation group M; plus strand). Cytogenetic location: 14q21.2.
Variant type: single nucleotide variant.
Coding change: c.5884C>G on transcript NM_020937.4 (MANE Select); coding-DNA position 5884, C replaced by G.
Protein change: p.Pro1962Ala; replaces proline 1962 with alanine.
Molecular consequence: missense variant.
Genome position (GRCh38, 1-based): chr14:45,198,811, C>G. VCF-style: chr14-45198811-C-G. GRCh37 (hg19) VCF-style: chr14-45668014-C-G.
Other names: c.5806C>G, p.Pro1936Ala (NM_001308133.2); short protein forms P1962A, P1936A.
Identifiers: ClinVar variation 4619437 (VCV004619437.1).
Genomic context (GRCh38, chr14:45,198,811, plus strand): 5'-GCAGATTTGCTAAAGGAACTGTCTTTAGTGGAACAAAGAAAGAATGTTGGTATTCATGTT[C>G]CAACAGTGGTGAATAGTAATAAAAGTGAGGCACTCCAGTTTTATTTAAGTATTCCCAATA-3'
Protein context (NP_065988.1, residues 1952-1972): EQRKNVGIHV[Pro1962Ala]TVVNSNKSEA